The following is an entry in ClinVar:

NM_012418.4(FSCN2):c.806G>A (p.Arg269His)

Gene: FSCN2 (fascin actin-bundling protein 2, retinal; plus strand). Cytogenetic location: 17q25.3.
Variant type: single nucleotide variant.
Coding change: c.806G>A on transcript NM_012418.4 (MANE Select); coding-DNA position 806, G replaced by A.
Protein change: p.Arg269His; replaces arginine 269 with histidine.
Molecular consequence: missense variant.
Genome position (GRCh38, 1-based): chr17:81,529,337, G>A. VCF-style: chr17-81529337-G-A. GRCh37 (hg19) VCF-style: chr17-79496363-G-A.
Other names: c.806G>A, p.Arg269His (NM_001077182.3); short protein forms R269H.
Identifiers: ClinVar variation 1464742 (VCV001464742.6), dbSNP rs201099468, ClinGen allele CA8836780.
Genomic context (GRCh38, chr17:81,529,337, plus strand): 5'-ATGAGCTCTTTGATCTGGAGGAGAGTCACCCACAGGTGGTGCTGGTGGCTGCCAACCACC[G>A]CTACGTCTCTGTGCGGCAAGGTAGGGAGGGCACAGGTGGCGACCTCCTGAGGGGTGCTGG-3'
Protein context (NP_036550.1, residues 259-279): PQVVLVAANH[Arg269His]YVSVRQGVNV

ClinVar aggregate classification (germline): Uncertain significance (1 of 4 stars; one submission).

Allele frequency attached by ClinVar (database versions not stated): gnomAD 0.00002 and 0.00003; TOPMed 0.00003; gnomAD exomes 0.00005; ExAC 0.00015; 1000 Genomes Project 0.00020; 1000 Genomes Project 30x 0.00031.
gnomAD v4.1: 70 of 1,549,776 alleles (0.0045%); highest among the groups gnomAD compares: South Asian, 0.035%; no homozygotes.

Submission:

Labcorp Genetics (formerly Invitae), Labcorp
Classification: Uncertain significance. Last evaluated: 2024-09-23. Review status: criteria provided, single submitter. Criteria: Invitae Variant Classification Sherloc (09022015). Collection method: clinical testing. Allele origin: germline.
Comment: This sequence change replaces arginine, which is basic and polar, with histidine, which is basic and polar, at codon 269 of the FSCN2 protein (p.Arg269His). This variant is present in population databases (rs201099468, gnomAD 0.02%). This variant has not been reported in the literature in individuals affected with FSCN2-related conditions. ClinVar contains an entry for this variant (Variation ID: 1464742). An algorithm developed to predict the effect of missense changes on protein structure and function (PolyPhen-2) suggests that this variant is likely to be disruptive. In summary, the available evidence is currently insufficient to determine the role of this variant in disease. Therefore, it has been classified as a Variant of Uncertain Significance.